The following is an entry in ClinVar:

ClinVar aggregate classification (germline): Uncertain significance (1 of 4 stars; one submission).

Allele frequency attached by ClinVar (database versions not stated): gnomAD exomes below 0.00001 and 0.00001; TOPMed below 0.00001; ExAC 0.00001.

Submission:

Labcorp Genetics (formerly Invitae), Labcorp
Classification: Uncertain significance. Last evaluated: 2023-05-22. Review status: criteria provided, single submitter. Criteria: Invitae Variant Classification Sherloc (09022015). Collection method: clinical testing. Allele origin: germline.
Comment: In summary, the available evidence is currently insufficient to determine the role of this variant in disease. Therefore, it has been classified as a Variant of Uncertain Significance. Advanced modeling of protein sequence and biophysical properties (such as structural, functional, and spatial information, amino acid conservation, physicochemical variation, residue mobility, and thermodynamic stability) has been performed at Invitae for this missense variant, however the output from this modeling did not meet the statistical confidence thresholds required to predict the impact of this variant on CACNA1E protein function. ClinVar contains an entry for this variant (Variation ID: 1396404). This variant has not been reported in the literature in individuals affected with CACNA1E-related conditions. This variant is present in population databases (rs755438550, gnomAD 0.0009%). This sequence change replaces isoleucine, which is neutral and non-polar, with valine, which is neutral and non-polar, at codon 495 of the CACNA1E protein (p.Ile495Val).

NM_001205293.3(CACNA1E):c.1483A>G (p.Ile495Val)

Gene: CACNA1E (calcium voltage-gated channel subunit alpha1 E; plus strand). Cytogenetic location: 1q25.3.
Variant type: single nucleotide variant.
Coding change: c.1483A>G on transcript NM_001205293.3 (MANE Select); coding-DNA position 1483, A replaced by G.
Protein change: p.Ile495Val; replaces isoleucine 495 with valine.
Molecular consequence: missense variant.
Genome position (GRCh38, 1-based): chr1:181,717,260, A>G. VCF-style: chr1-181717260-A-G. GRCh37 (hg19) VCF-style: chr1-181686396-A-G.
Other names: c.1483A>G, p.Ile495Val (NM_000721.4, NM_001205294.2); short protein forms I495V.
Identifiers: ClinVar variation 1396404 (VCV001396404.6), dbSNP rs755438550, ClinGen allele CA1275123.